The following is an entry in ClinVar:

ClinVar aggregate classification (germline): Conflicting classifications of pathogenicity. Review status: criteria provided, conflicting classifications (1 of 4 stars). 4 submissions from 4 submitters: Uncertain significance (1); Likely benign (2). 1 of the submissions does not count toward it. Last evaluated 2025-11-24.

Conditions:
Sulfite oxidase deficiency due to molybdenum cofactor deficiency type A. Also called: Molybdenum cofactor deficiency, complementation group A; Molybdenum Cofactor Deficiency A. Identifiers: Orphanet 308386, Orphanet 833, MedGen C1854988, MONDO:0009643, OMIM 252150.
MOCS1-related disorder. Also called: MOCS1-related condition.

Allele frequency attached by ClinVar (database versions not stated): gnomAD exomes 0.00006 and 0.00003; ExAC 0.00012; gnomAD 0.00014 and 0.00015; TOPMed 0.00024; ESP Exome Variant Server 0.00046.
gnomAD v4.1: 71 of 1,611,784 alleles (0.0044%); highest among the groups gnomAD compares: African/African-American, 0.033%; no homozygotes.

Submissions (4):

Labcorp Genetics (formerly Invitae), Labcorp
Classification: Likely benign for Sulfite oxidase deficiency due to molybdenum cofactor deficiency type A. Last evaluated: 2025-11-24. Review status: criteria provided, single submitter. Criteria: Invitae Variant Classification Sherloc (09022015). Collection method: clinical testing. Allele origin: germline.

Blueprint Genetics
Classification: Likely benign. Last evaluated: 2023-12-01. Review status: criteria provided, single submitter. Criteria: ACMG Guidelines, 2015. Collection method: clinical testing. Allele origin: germline.

Illumina Laboratory Services, Illumina
Classification: Uncertain significance for Sulfite oxidase deficiency due to molybdenum cofactor deficiency type A. Last evaluated: 2018-01-13. Review status: criteria provided, single submitter. Criteria: ICSL Variant Classification Criteria 13 December 2019. Collection method: clinical testing. Allele origin: germline.

PreventionGenetics, part of Exact Sciences
Classification: Likely benign for MOCS1-related condition. Last evaluated: 2021-04-02. Review status: no assertion criteria provided. Collection method: clinical testing. Allele origin: germline. Not counted in ClinVar's aggregate classification.
Comment: This variant is classified as likely benign based on ACMG/AMP sequence variant interpretation guidelines (Richards et al. 2015 PMID: 25741868, with internal and published modifications).

NM_001358530.2(MOCS1):c.758-9C>T

Gene: MOCS1 (molybdenum cofactor synthesis 1; minus strand). Cytogenetic location: 6p21.2.
Variant type: single nucleotide variant.
Coding change: c.758-9C>T on transcript NM_001358530.2 (MANE Select); 9 bases into the intron before coding-DNA position 758, C replaced by T.
Molecular consequence: intron variant.
Genome position (GRCh38, 1-based): chr6:39,913,013, G>A on the plus strand (C>T on the coding strand, the complement: MOCS1 is on the minus strand). VCF-style: chr6-39913013-G-A. GRCh37 (hg19) VCF-style: chr6-39880757-G-A.
Other names: c.497-9C>T (NM_001358531.2, NM_001358533.2, NM_001358534.2); c.758-9C>T (NM_001358529.2, NM_001075098.4, NM_005943.6).
Identifiers: ClinVar variation 356656 (VCV000356656.17), dbSNP rs368402544, ClinGen allele CA3796154.